The following is an entry in ClinVar:

NM_001171.6(ABCC6):c.3458G>A (p.Arg1153His)

Gene: ABCC6 (ATP binding cassette subfamily C member 6; minus strand). Cytogenetic location: 16p13.11.
Variant type: single nucleotide variant.
Coding change: c.3458G>A on transcript NM_001171.6 (MANE Select); coding-DNA position 3458, G replaced by A.
Protein change: p.Arg1153His; replaces arginine 1153 with histidine.
Molecular consequence: missense variant.
Genome position (GRCh38, 1-based): chr16:16,163,041, C>T on the plus strand (G>A on the coding strand, the complement: ABCC6 is on the minus strand). VCF-style: chr16-16163041-C-T. GRCh37 (hg19) VCF-style: chr16-16256898-C-T.
Other names: c.3116G>A, p.Arg1039His (NM_001351800.1); c.3458G>A (NM_001171.5); short protein forms R1039H, R1153H.
Identifiers: ClinVar variation 1394987 (VCV001394987.8), dbSNP rs553479685, ClinGen allele CA7925578.

ClinVar aggregate classification (germline): Conflicting classifications of pathogenicity. Review status: criteria provided, conflicting classifications (1 of 4 stars). 3 submissions from 3 submitters: Uncertain significance (2); Likely benign (1). Last evaluated 2023-06-14.

Conditions:
Inborn genetic diseases. Identifiers: MedGen C0950123, MeSH D030342.
Autosomal recessive inherited pseudoxanthoma elasticum (PXE). Identifiers: Orphanet 758, MedGen CN032334, MONDO:0009925, OMIM 264800.
Pseudoxanthoma elasticum, forme fruste. Also called: Pseudoxanthoma Elasticum, Incomplete; PSEUDOXANTHOMA ELASTICUM, HETEROZYGOUS. Identifiers: Orphanet 758, MedGen C1867450, MONDO:0008333, OMIM 177850.
Arterial calcification, generalized, of infancy, 2. Identifiers: Orphanet 51608, MedGen C3276161, MONDO:0013768, OMIM 614473.

Allele frequency attached by ClinVar (database versions not stated): gnomAD 0.00007 and 0.00006; 1000 Genomes Project 30x 0.00016; ExAC 0.00006; TOPMed 0.00006; 1000 Genomes Project 0.00020.
gnomAD v4.1: 82 of 1,614,052 alleles (0.0051%); highest among the groups gnomAD compares: African/African-American, 0.016%; no homozygotes.

Submissions (3):

Ambry Genetics
Classification: Likely benign for Inborn genetic diseases. Last evaluated: 2023-06-14. Review status: criteria provided, single submitter. Criteria: Ambry Variant Classification Scheme 2023. Collection method: clinical testing. Allele origin: germline.

Labcorp Genetics (formerly Invitae), Labcorp
Classification: Uncertain significance. Last evaluated: 2022-07-19. Review status: criteria provided, single submitter. Criteria: Invitae Variant Classification Sherloc (09022015). Collection method: clinical testing. Allele origin: germline.
Comment: This sequence change replaces arginine, which is basic and polar, with histidine, which is basic and polar, at codon 1153 of the ABCC6 protein (p.Arg1153His). This variant is present in population databases (rs553479685, gnomAD 0.03%). This variant has not been reported in the literature in individuals affected with ABCC6-related conditions. ClinVar contains an entry for this variant (Variation ID: 1394987). Advanced modeling of protein sequence and biophysical properties (such as structural, functional, and spatial information, amino acid conservation, physicochemical variation, residue mobility, and thermodynamic stability) performed at Invitae indicates that this missense variant is not expected to disrupt ABCC6 protein function. Algorithms developed to predict the effect of sequence changes on RNA splicing suggest that this variant may disrupt the consensus splice site. In summary, the available evidence is currently insufficient to determine the role of this variant in disease. Therefore, it has been classified as a Variant of Uncertain Significance.

Fulgent Genetics
Classification: Uncertain significance for Pseudoxanthoma elasticum, forme fruste; Autosomal recessive inherited pseudoxanthoma elasticum; Arterial calcification, generalized, of infancy, 2. Last evaluated: 2022-03-04. Review status: criteria provided, single submitter. Criteria: ACMG Guidelines, 2015. Collection method: clinical testing. Allele origin: unknown.